The following is an entry in ClinVar:

ClinVar aggregate classification (germline): Conflicting classifications of pathogenicity. Review status: criteria provided, conflicting classifications (1 of 4 stars). 8 submissions from 8 submitters: Uncertain significance (3); Benign (2); Likely benign (1). 2 of the submissions do not count toward it. Last evaluated 2026-01-25.

Conditions:
PKHD1-related disorder. Also called: PKHD1-related condition.
Moyamoya disease. Also called: Moyamoya syndrome. Identifiers: Orphanet 2573, MedGen C0026654, MeSH D009072, MONDO:0016820.
Polycystic kidney disease 4 (PKD4). Also called: Autosomal Recessive Polycystic Kidney Disease – PKHD1; PKD3; POLYCYSTIC KIDNEY AND HEPATIC DISEASE 1; POLYCYSTIC KIDNEY DISEASE, INFANTILE, TYPE I; POLYCYSTIC KIDNEY DISEASE 4 WITH OR WITHOUT POLYCYSTIC LIVER DISEASE. Identifiers: MedGen C4540575, MONDO:0033004, OMIM 263200.
Autosomal recessive polycystic kidney disease (ARPKD). Also called: AR polycystic kidney disease. Identifiers: Orphanet 731, Orphanet 8378, MedGen C0085548, MeSH D017044, MONDO:0009889.

Allele frequency attached by ClinVar (database versions not stated): TOPMed 0.00009; gnomAD 0.00011 and 0.00050; ExAC 0.00021; 1000 Genomes Project 30x 0.00219; 1000 Genomes Project 0.00280.
gnomAD v4.1: 1,353 of 1,609,162 alleles (0.084%); highest among the groups gnomAD compares: East Asian, 3%; 50 homozygotes.

Submissions (8):

Labcorp Genetics (formerly Invitae), Labcorp
Classification: Likely benign for Autosomal recessive polycystic kidney disease. Last evaluated: 2026-01-25. Review status: criteria provided, single submitter. Criteria: Invitae Variant Classification Sherloc (09022015). Collection method: clinical testing. Allele origin: germline.

Department of Neurosurgery, The University of Tokyo
Classification: Uncertain significance for Moyamoya disease. Last evaluated: 2025-10-17. Review status: criteria provided, single submitter. Criteria: ACMG Guidelines, 2015. Collection method: research. Allele origin: germline. Affected: yes.
Comment: We apply ACMG/AMP 2015 (PMID: 25741868). This variant was identified in a research cohort of Moyamoya disease (MMD) patients (N = 122). PKHD1 currently lacks an established gene–disease relationship for MMD; therefore, no case/segregation/functional evidence supports pathogenicity for this phenotype. The allele is very rare in gnomAD v3 (AF = 0.0001) → considered for PM2_supporting. No published MMD cases with this variant were found. No segregation or functional data. In silico predictions [CADD = 14.01, SIFT = D, MetaSVM = T] are not consistently supportive; computational evidence alone is insufficient. Benign frequency thresholds (BA1/BS1) are not met; BS2/BS3 not met. Overall, evidence is insufficient to classify as pathogenic or benign → Uncertain significance (VUS).

GeneDx
Classification: Uncertain significance. Last evaluated: 2024-02-26. Review status: criteria provided, single submitter. Criteria: GeneDx Variant Classification Process June 2021. Collection method: clinical testing. Allele origin: germline. Affected: yes.
Comment: In silico analysis supports that this missense variant does not alter protein structure/function; Reported with a second variant (phase unknown) in a patient with focal segmental glomerulosclerosis in published literature (PMID: 31308072); This variant is associated with the following publications: (PMID: 31308072)

Revvity Omics, Revvity
Classification: Uncertain significance for Polycystic kidney disease 4. Last evaluated: 2019-12-26. Review status: criteria provided, single submitter. Criteria: ACMG Guidelines, 2015. Collection method: clinical testing. Allele origin: germline.

Illumina Laboratory Services, Illumina
Classification: Benign for Polycystic kidney disease 4. Last evaluated: 2017-04-27. Review status: criteria provided, single submitter. Criteria: ICSL Variant Classification Criteria 13 December 2019. Collection method: clinical testing. Allele origin: germline.
Comment: This variant was observed as part of a predisposition screen in an ostensibly healthy population. A literature search was performed for the gene, cDNA change, and amino acid change (where applicable). No publications were found based on this search. Allele frequency data from public databases was too high to be consistent with this variant causing disease. Therefore, this variant is classified as benign.

Eurofins Ntd Llc (ga)
Classification: Benign. Last evaluated: 2017-03-29. Review status: criteria provided, single submitter. Criteria: EGL Classification Definitions 2015. Collection method: clinical testing. Allele origin: germline. Observed: 1 variant allele, 1 heterozygote.

PreventionGenetics, part of Exact Sciences
Classification: Likely benign for PKHD1-related condition. Last evaluated: 2022-12-28. Review status: no assertion criteria provided. Collection method: clinical testing. Allele origin: germline. Not counted in ClinVar's aggregate classification.
Comment: This variant is classified as likely benign based on ACMG/AMP sequence variant interpretation guidelines (Richards et al. 2015 PMID: 25741868, with internal and published modifications).

Natera, Inc.
Classification: Likely benign for Autosomal recessive polycystic kidney disease. Last evaluated: 2020-06-01. Review status: no assertion criteria provided. Collection method: clinical testing. Allele origin: germline. Not counted in ClinVar's aggregate classification.

NM_138694.4(PKHD1):c.7091T>A (p.Ile2364Asn)

Gene: PKHD1 (PKHD1 ciliary IPT domain containing fibrocystin/polyductin; minus strand). Cytogenetic location: 6p12.2.
Variant type: single nucleotide variant.
Coding change: c.7091T>A on transcript NM_138694.4 (MANE Select); coding-DNA position 7091, T replaced by A.
Protein change: p.Ile2364Asn; replaces isoleucine 2364 with asparagine.
Molecular consequence: missense variant.
Genome position (GRCh38, 1-based): chr6:51,887,151, A>T on the plus strand (T>A on the coding strand, the complement: PKHD1 is on the minus strand). VCF-style: chr6-51887151-A-T. GRCh37 (hg19) VCF-style: chr6-51751949-A-T.
Other names: c.7091T>A, p.Ile2364Asn (NM_170724.3); short protein forms I2364N.
Identifiers: ClinVar variation 500968 (VCV000500968.24), dbSNP rs76260483, ClinGen allele CA3852058.
Genomic context (GRCh38, chr6:51,887,151, plus strand): 5'-TCATAAGACAGCCAAAACATAGATGAATTTCCCCAAAGTTACCTGGTACAAGAATGTGCA[A>T]TGTTCTGAGTGAAGGAAAGAAGCGGAGCTTGTGATGTTTGGTTGGTCATGAGATGGAAAA-3'
Protein context (NP_619639.3, residues 2354-2374): QAPLLSFTQN[Ile2364Asn]AHSCTRYGLF